The following is an entry in ClinVar:

ClinVar aggregate classification (germline): Uncertain significance (1 of 4 stars; one submission).

Conditions:
Autosomal dominant nonsyndromic hearing loss 20. Identifiers: Orphanet 90635, MedGen C1858172, MONDO:0011480, OMIM 604717.
Baraitser-winter syndrome 2. Identifiers: Orphanet 2995, MedGen C3281235, MONDO:0013812, OMIM 614583.

Submission:

Labcorp Genetics (formerly Invitae), Labcorp
Classification: Uncertain significance for Baraitser-winter syndrome 2; Autosomal dominant nonsyndromic hearing loss 20. Last evaluated: 2026-01-09. Review status: criteria provided, single submitter. Criteria: Invitae Variant Classification Sherloc (09022015). Collection method: clinical testing. Allele origin: germline.
Comment: This sequence change replaces histidine, which is basic and polar, with aspartic acid, which is acidic and polar, at codon 73 of the ACTG1 protein (p.His73Asp). This variant is not present in population databases (gnomAD no frequency). This variant has not been reported in the literature in individuals affected with ACTG1-related conditions. Invitae Evidence Modeling of protein sequence and biophysical properties (such as structural, functional, and spatial information, amino acid conservation, physicochemical variation, residue mobility, and thermodynamic stability) indicates that this missense variant is not expected to disrupt ACTG1 protein function with a negative predictive value of 80%. In summary, the available evidence is currently insufficient to determine the role of this variant in disease. Therefore, it has been classified as a Variant of Uncertain Significance.

NM_001614.5(ACTG1):c.217C>G (p.His73Asp)

Gene: ACTG1 (actin gamma 1; minus strand). Cytogenetic location: 17q25.3.
Variant type: single nucleotide variant.
Coding change: c.217C>G on transcript NM_001614.5 (MANE Select); coding-DNA position 217, C replaced by G.
Protein change: p.His73Asp; replaces histidine 73 with aspartic acid.
Molecular consequence: missense variant. On other transcripts: non-coding transcript variant (1).
Genome position (GRCh38, 1-based): chr17:81,512,049, G>C on the plus strand (C>G on the coding strand, the complement: ACTG1 is on the minus strand). VCF-style: chr17-81512049-G-C. GRCh37 (hg19) VCF-style: chr17-79479075-G-C.
Other names: c.217C>G, p.His73Asp (NM_001199954.3); short protein forms H73D.
Identifiers: ClinVar variation 4782651 (VCV004782651.1).